The following is an entry in ClinVar:

ClinVar aggregate classification (germline): Uncertain significance (1 of 4 stars; one submission).

Allele frequency attached by ClinVar (database versions not stated): gnomAD exomes below 0.00001; TOPMed below 0.00001; gnomAD 0.00001; ExAC 0.00002.

Submission:

Labcorp Genetics (formerly Invitae), Labcorp
Classification: Uncertain significance. Last evaluated: 2022-02-11. Review status: criteria provided, single submitter. Criteria: Invitae Variant Classification Sherloc (09022015). Collection method: clinical testing. Allele origin: germline.
Comment: In summary, the available evidence is currently insufficient to determine the role of this variant in disease. Therefore, it has been classified as a Variant of Uncertain Significance. Algorithms developed to predict the effect of missense changes on protein structure and function are either unavailable or do not agree on the potential impact of this missense change (SIFT: "Deleterious"; PolyPhen-2: "Probably Damaging"; Align-GVGD: "Class C0"). This variant has not been reported in the literature in individuals affected with IRF2BP2-related conditions. This variant is present in population databases (rs773620864, gnomAD 0.006%). This sequence change replaces threonine, which is neutral and polar, with isoleucine, which is neutral and non-polar, at codon 450 of the IRF2BP2 protein (p.Thr450Ile).

NM_182972.3(IRF2BP2):c.1349C>T (p.Thr450Ile)

Gene: IRF2BP2 (interferon regulatory factor 2 binding protein 2; minus strand). Cytogenetic location: 1q42.3.
Variant type: single nucleotide variant.
Coding change: c.1349C>T on transcript NM_182972.3 (MANE Select); coding-DNA position 1349, C replaced by T.
Protein change: p.Thr450Ile; replaces threonine 450 with isoleucine.
Molecular consequence: missense variant.
Genome position (GRCh38, 1-based): chr1:234,607,552, G>A on the plus strand (C>T on the coding strand, the complement: IRF2BP2 is on the minus strand). VCF-style: chr1-234607552-G-A. GRCh37 (hg19) VCF-style: chr1-234743298-G-A.
Other names: c.1301C>T, p.Thr434Ile (NM_001077397.1); short protein forms T450I, T434I.
Identifiers: ClinVar variation 1953680 (VCV001953680.5), dbSNP rs773620864, ClinGen allele CA1461582.